The following is an entry in ClinVar:

NM_001164665.2(KIAA1549):c.4708A>C (p.Met1570Leu)

Gene: KIAA1549 (KIAA1549; minus strand). Cytogenetic location: 7q34.
Variant type: single nucleotide variant.
Coding change: c.4708A>C on transcript NM_001164665.2 (MANE Select); coding-DNA position 4708, A replaced by C.
Protein change: p.Met1570Leu; replaces methionine 1570 with leucine.
Molecular consequence: missense variant.
Genome position (GRCh38, 1-based): chr7:138,869,605, T>G on the plus strand (A>C on the coding strand, the complement: KIAA1549 is on the minus strand). VCF-style: chr7-138869605-T-G. GRCh37 (hg19) VCF-style: chr7-138554351-T-G.
Other names: c.4708A>C, p.Met1570Leu (NM_020910.3); short protein forms M1570L.
Identifiers: ClinVar variation 951428 (VCV000951428.10), dbSNP rs369609078, ClinGen allele CA4505790.
Genomic context (GRCh38, chr7:138,869,605, plus strand): 5'-TGGGCTCTATGAACACGGAGGGCACGCTGGCCGTGGGGTCCAGGATCTTGTCGATCTGCA[T>G]CTGTGCCCTGCGGTACACCCGGTGTCGCTCCTTAGTGTCGCCCGAGGACAGGTCGTCTAC-3'
Protein context (NP_001158137.1, residues 1560-1580): ERHRVYRRAQ[Met1570Leu]QIDKILDPTA

ClinVar aggregate classification (germline): Uncertain significance. Review status: criteria provided, multiple submitters, no conflicts (2 of 4 stars). 3 submissions from 3 submitters: Uncertain significance (3). Last evaluated 2024-10-15.

Conditions:
Inborn genetic diseases. Identifiers: MedGen C0950123, MeSH D030342.

Allele frequency attached by ClinVar (database versions not stated): gnomAD exomes 0.00003; gnomAD 0.00004; TOPMed 0.00004; ExAC 0.00005; ESP Exome Variant Server 0.00008.

Submissions (3):

Labcorp Genetics (formerly Invitae), Labcorp
Classification: Uncertain significance. Last evaluated: 2024-10-15. Review status: criteria provided, single submitter. Criteria: Invitae Variant Classification Sherloc (09022015). Collection method: clinical testing. Allele origin: germline.
Comment: This sequence change replaces methionine, which is neutral and non-polar, with leucine, which is neutral and non-polar, at codon 1570 of the KIAA1549 protein (p.Met1570Leu). This variant is present in population databases (rs369609078, gnomAD 0.007%). This variant has not been reported in the literature in individuals affected with KIAA1549-related conditions. ClinVar contains an entry for this variant (Variation ID: 951428). An algorithm developed to predict the effect of missense changes on protein structure and function (PolyPhen-2) suggests that this variant¬†is likely to be tolerated. In summary, the available evidence is currently insufficient to determine the role of this variant in disease. Therefore, it has been classified as a Variant of Uncertain Significance.

Ambry Genetics
Classification: Uncertain significance for Inborn genetic diseases. Last evaluated: 2022-09-27. Review status: criteria provided, single submitter. Criteria: Ambry Variant Classification Scheme 2023. Collection method: clinical testing. Allele origin: germline.

Blueprint Genetics
Classification: Uncertain significance. Last evaluated: 2022-02-05. Review status: criteria provided, single submitter. Criteria: ACMG Guidelines, 2015. Collection method: clinical testing. Allele origin: germline.